The following is an entry in ClinVar:

NM_016464.5(TMEM138):c.193G>A (p.Val65Ile)

Gene: TMEM138 (transmembrane protein 138; plus strand). Cytogenetic location: 11q12.2.
Variant type: single nucleotide variant.
Coding change: c.193G>A on transcript NM_016464.5 (MANE Select); coding-DNA position 193, G replaced by A.
Protein change: p.Val65Ile; replaces valine 65 with isoleucine.
Molecular consequence: missense variant. On other transcripts: non-coding transcript variant (1).
Genome position (GRCh38, 1-based): chr11:61,366,109, G>A. VCF-style: chr11-61366109-G-A. GRCh37 (hg19) VCF-style: chr11-61133581-G-A.
Other names: c.19G>A, p.Val7Ile (NM_001330281.2); short protein forms V65I, V7I.
Identifiers: ClinVar variation 472885 (VCV000472885.6), dbSNP rs763118625, ClinGen allele CA6034557.

ClinVar aggregate classification (germline): Uncertain significance. Review status: criteria provided, multiple submitters, no conflicts (2 of 4 stars). 3 submissions from 3 submitters: Uncertain significance (3). Last evaluated 2024-07-27.

Conditions:
Inborn genetic diseases. Identifiers: MedGen C0950123, MeSH D030342.
Joubert syndrome 16 (JBTS16). Identifiers: Orphanet 2318, MedGen C3280906, MONDO:0013764, OMIM 614465.

Allele frequency attached by ClinVar (database versions not stated): gnomAD exomes 0.00001 and 0.00003; ExAC 0.00003; gnomAD 0.00003 and 0.00004; TOPMed 0.00006.

Submissions (3):

Ambry Genetics
Classification: Uncertain significance for Inborn genetic diseases. Last evaluated: 2024-07-27. Review status: criteria provided, single submitter. Criteria: Ambry Variant Classification Scheme 2023. Collection method: clinical testing. Allele origin: germline.

Fulgent Genetics
Classification: Uncertain significance for Joubert syndrome 16. Last evaluated: 2023-12-29. Review status: criteria provided, single submitter. Criteria: ACMG Guidelines, 2015. Collection method: clinical testing. Allele origin: germline.

Labcorp Genetics (formerly Invitae), Labcorp
Classification: Uncertain significance for Joubert syndrome 16. Last evaluated: 2022-08-22. Review status: criteria provided, single submitter. Criteria: Invitae Variant Classification Sherloc (09022015). Collection method: clinical testing. Allele origin: germline.
Comment: This sequence change replaces valine, which is neutral and non-polar, with isoleucine, which is neutral and non-polar, at codon 65 of the TMEM138 protein (p.Val65Ile). This variant is present in population databases (rs763118625, gnomAD 0.01%). This variant has not been reported in the literature in individuals affected with TMEM138-related conditions. ClinVar contains an entry for this variant (Variation ID: 472885). Algorithms developed to predict the effect of missense changes on protein structure and function are either unavailable or do not agree on the potential impact of this missense change (SIFT: "Deleterious"; PolyPhen-2: "Benign"; Align-GVGD: "Class C0"). In summary, the available evidence is currently insufficient to determine the role of this variant in disease. Therefore, it has been classified as a Variant of Uncertain Significance.